The following is an entry in ClinVar:

ClinVar aggregate classification (germline): Uncertain significance. Review status: criteria provided, multiple submitters, no conflicts (2 of 4 stars). 2 submissions from 2 submitters: Uncertain significance (2). Last evaluated 2026-04-22.

Conditions:
Hereditary cancer-predisposing syndrome. Also called: Tumor predisposition; Hereditary neoplastic syndrome; Neoplastic Syndromes, Hereditary; Hereditary Cancer Syndrome. Identifiers: Orphanet 140162, MedGen C0027672, MeSH D009386, MONDO:0015356.

Submissions (2):

Ambry Genetics
Classification: Uncertain significance for Hereditary cancer-predisposing syndrome. Last evaluated: 2026-04-22. Review status: criteria provided, single submitter. Criteria: Ambry Variant Classification Scheme 2023. Collection method: clinical testing. Allele origin: germline.
Comment: The p.P142T variant (also known as c.424C>A) is located in coding exon 6 of the POLE gene. The proline at codon 142 is replaced by threonine, an amino acid with highly similar properties. This change occurs in the first base pair of coding exon 6. This amino acid position is conserved. In addition, this alteration is predicted to be tolerated by in silico analysis. Based on the available evidence, the clinical significance of this variant remains unclear.

GeneDx
Classification: Uncertain significance. Last evaluated: 2023-04-06. Review status: criteria provided, single submitter. Criteria: GeneDx Variant Classification Process June 2021. Collection method: clinical testing. Allele origin: germline. Affected: yes.
Comment: Not observed at significant frequency in large population cohorts (gnomAD); In silico analysis supports that this missense variant has a deleterious effect on protein structure/function; Has not been previously published as pathogenic or benign to our knowledge

NM_006231.4(POLE):c.424C>A (p.Pro142Thr)

Gene: POLE (DNA polymerase epsilon, catalytic subunit; minus strand). Cytogenetic location: 12q24.33.
Variant type: single nucleotide variant.
Coding change: c.424C>A on transcript NM_006231.4 (MANE Select); coding-DNA position 424, C replaced by A.
Protein change: p.Pro142Thr; replaces proline 142 with threonine.
Molecular consequence: missense variant.
Genome position (GRCh38, 1-based): chr12:132,679,651, G>T on the plus strand (C>A on the coding strand, the complement: POLE is on the minus strand). VCF-style: chr12-132679651-G-T. GRCh37 (hg19) VCF-style: chr12-133256237-G-T.
Other names: short protein forms P142T.
Identifiers: ClinVar variation 2662916 (VCV002662916.2), dbSNP rs2542189004, ClinGen allele CA387367666.